The following is an entry in ClinVar:

NM_001018113.3(FANCB):c.510T>G (p.Ile170Met)

Gene: FANCB (FA complementation group B; minus strand). Cytogenetic location: Xp22.2.
Variant type: single nucleotide variant.
Coding change: c.510T>G on transcript NM_001018113.3 (MANE Select); coding-DNA position 510, T replaced by G.
Protein change: p.Ile170Met; replaces isoleucine 170 with methionine.
Molecular consequence: missense variant.
Genome position (GRCh38, 1-based): chrX:14,865,001, A>C on the plus strand (T>G on the coding strand, the complement: FANCB is on the minus strand). VCF-style: chrX-14865001-A-C. GRCh37 (hg19) VCF-style: chrX-14883123-A-C.
Other names: c.510T>G, p.Ile170Met (NM_001324162.2, NM_152633.4); short protein forms I170M.
Identifiers: ClinVar variation 408161 (VCV000408161.18), dbSNP rs775216604, ClinGen allele CA16616639.

ClinVar aggregate classification (germline): Conflicting classifications of pathogenicity. Review status: criteria provided, conflicting classifications (1 of 4 stars). 4 submissions from 4 submitters: Uncertain significance (1); Likely benign (3). Last evaluated 2025-04-14.

Conditions:
Inborn genetic diseases. Identifiers: MedGen C0950123, MeSH D030342.
Fanconi anemia (FA). Also called: Fanconi's anemia. Identifiers: Orphanet 84, MedGen C0015625, MeSH D005199, MONDO:0019391.

Allele frequency attached by ClinVar (database versions not stated): TOPMed 0.00002; gnomAD 0.00003; gnomAD exomes 0.00004.
gnomAD v4.1: 54 of 1,209,182 alleles (0.0045%); highest among the groups gnomAD compares: Non-Finnish European, 0.0056%; no homozygotes.

Submissions (4):

Labcorp Genetics (formerly Invitae), Labcorp
Classification: Likely benign for Fanconi anemia. Last evaluated: 2025-04-14. Review status: criteria provided, single submitter. Criteria: Invitae Variant Classification Sherloc (09022015). Collection method: clinical testing. Allele origin: germline.

Ambry Genetics
Classification: Likely benign for Inborn genetic diseases. Last evaluated: 2023-04-05. Review status: criteria provided, single submitter. Criteria: Ambry Variant Classification Scheme 2023. Collection method: clinical testing. Allele origin: germline.

Blueprint Genetics
Classification: Likely benign. Last evaluated: 2022-10-14. Review status: criteria provided, single submitter. Criteria: ACMG Guidelines, 2015. Collection method: clinical testing. Allele origin: germline.

Genetic Services Laboratory, University of Chicago
Classification: Uncertain significance. Last evaluated: 2021-07-30. Review status: criteria provided, single submitter. Criteria: ACMG Guidelines, 2015. Collection method: clinical testing. Allele origin: germline. Affected: no.
Comment: This sequence change does not appear to have been previously described in patients with FANCB-related disorders and has been described in the gnomAD database with a low population frequency of 0.0097% in the non-Finnish European subpopulation (dbSNP rs775216604). The p.Ile170Met change affects a moderately conserved amino acid residue located in a domain of the FANCB protein that is not known to be functional. In-silico pathogenicity prediction tools (SIFT, PolyPhen2, Align GVGD, REVEL) provide contradictory results for the p.Ile170Met substitution. Due to these contrasting evidences and the lack of functional studies, the clinical significance of the p.Ile170Met change remains unknown at this time.